The following is an entry in ClinVar:

NM_001378454.1(ALMS1):c.82G>A (p.Glu28Lys)

Gene: ALMS1 (ALMS1 centrosome and basal body associated protein; plus strand). Cytogenetic location: 2p13.1.
Variant type: single nucleotide variant.
Coding change: c.82G>A on transcript NM_001378454.1 (MANE Select); coding-DNA position 82, G replaced by A.
Protein change: p.Glu28Lys; replaces glutamic acid 28 with lysine.
Molecular consequence: missense variant.
Genome position (GRCh38, 1-based): chr2:73,385,950, G>A. VCF-style: chr2-73385950-G-A. GRCh37 (hg19) VCF-style: chr2-73613078-G-A.
Other names: c.85G>A, p.Glu29Lys (NM_015120.4); short protein forms E28K, E29K.
Identifiers: ClinVar variation 1312392 (VCV001312392.6), dbSNP rs1670512542, ClinGen allele CA347250570.
Genomic context (GRCh38, chr2:73,385,950, plus strand): 5'-TGGCCGGGCGAGCTGGAGGAGGAGGAGGAGGAGGAGGAGGAGGAGGAGGAGGAAGAGGAG[G>A]AGGCTGCAGCGGCGGCGGCGGCGAACGTGGACGACGTAGTGGTCGTGGAGGAGGTGGAGG-3'
Protein context (NP_001365383.1, residues 18-38): EEEEEEEEEE[Glu28Lys]AAAAAAANVD

ClinVar aggregate classification (germline): Uncertain significance. Review status: criteria provided, multiple submitters, no conflicts (2 of 4 stars). 4 submissions from 4 submitters: Uncertain significance (4). Last evaluated 2025-01-10.

Conditions:
Alstrom syndrome (ALMS). Identifiers: Orphanet 64, MedGen C0268425, MONDO:0008763, OMIM 203800.
Cardiovascular phenotype. Identifiers: MedGen CN230736.

Allele frequency attached by ClinVar (database versions not stated): gnomAD exomes 0.00001; gnomAD 0.00002; TOPMed 0.00004; 1000 Genomes Project 30x 0.00031.
gnomAD v4.1: 12 of 1,331,388 alleles (0.0009%); highest among the groups gnomAD compares: Admixed American, 0.0099%; no homozygotes.

Submissions (4):

Ambry Genetics
Classification: Uncertain significance for Cardiovascular phenotype. Last evaluated: 2025-01-10. Review status: criteria provided, single submitter. Criteria: Ambry Variant Classification Scheme 2023. Collection method: clinical testing. Allele origin: germline.
Comment: The p.E29K variant (also known as c.85G>A), located in coding exon 1 of the ALMS1 gene, results from a G to A substitution at nucleotide position 85. The glutamic acid at codon 29 is replaced by lysine, an amino acid with similar properties. This amino acid position is well conserved in available vertebrate species. In addition, this alteration is predicted to be tolerated by in silico analysis. Based on the available evidence, the clinical significance of this variant remains unclear.

Labcorp Genetics (formerly Invitae), Labcorp
Classification: Uncertain significance for Alstrom syndrome. Last evaluated: 2022-10-05. Review status: criteria provided, single submitter. Criteria: Invitae Variant Classification Sherloc (09022015). Collection method: clinical testing. Allele origin: germline.
Comment: This sequence change replaces glutamic acid, which is acidic and polar, with lysine, which is basic and polar, at codon 29 of the ALMS1 protein (p.Glu29Lys). This variant is not present in population databases (gnomAD no frequency). This variant has not been reported in the literature in individuals affected with ALMS1-related conditions. ClinVar contains an entry for this variant (Variation ID: 1312392). Algorithms developed to predict the effect of missense changes on protein structure and function output the following: SIFT: "Not Available"; PolyPhen-2: "Not Available"; Align-GVGD: "Not Available". The lysine amino acid residue is found in multiple mammalian species, which suggests that this missense change does not adversely affect protein function. Algorithms developed to predict the effect of sequence changes on RNA splicing suggest that this variant is not likely to affect RNA splicing. In summary, the available evidence is currently insufficient to determine the role of this variant in disease. Therefore, it has been classified as a Variant of Uncertain Significance.

Fulgent Genetics
Classification: Uncertain significance for Alstrom syndrome. Last evaluated: 2022-01-11. Review status: criteria provided, single submitter. Criteria: ACMG Guidelines, 2015. Collection method: clinical testing. Allele origin: unknown.

GeneDx
Classification: Uncertain significance. Last evaluated: 2019-09-16. Review status: criteria provided, single submitter. Criteria: GeneDx Variant Classification Process June 2021. Collection method: clinical testing. Allele origin: germline. Affected: yes.
Comment: Not observed in large population cohorts (Lek et al., 2016); Has not been previously published as pathogenic or benign to our knowledge